The following is an entry in ClinVar:

NC_012920.1(MT-CYB):m.15261G>C

Gene: MT-CYB (mitochondrially encoded cytochrome b; plus strand).
Variant type: single nucleotide variant.
Genome position: chrM-15261-G-C.
Identifiers: ClinVar variation 3062051 (VCV003062051.1), dbSNP rs1556424551, ClinGen allele CA913173385.

ClinVar aggregate classification (germline): Uncertain significance (1 of 4 stars; one submission).

Conditions:
Mitochondrial disease. Also called: Mitochondrial disorder; Mitochondrial disorders. Identifiers: Orphanet 68380, MedGen C0751651, MeSH D028361, MONDO:0044970.

Submission:

Illumina Laboratory Services, Illumina
Classification: Uncertain significance for Mitochondrial disease. Last evaluated: 2019-11-05. Review status: criteria provided, single submitter. Criteria: ICSLVariantClassificationCriteria RUGD 01 April 2020. Collection method: clinical testing. Allele origin: unknown.
Comment: The MT-CYB m.15261G>C p.(Ser172Thr) missense variant has not, to our knowledge, been reported in the peer-reviewed literature. This variant is not found in the MitoMap database, however, a different nucleotide change at the same position (m.15261G>A) is observed at a frequency of 0.2% in the GenBank, in which it is seen in a homoplasmic state in 70 individuals. The m.15261G>C variant is observed in the Genome Aggregation Database in a heteroplasmic state in one allele in the European (Finnish) population at a frequency of 0.000204. Based on limited evidence the MT-CYB m.15261G>C variant is classified as a variant of uncertain significance for primary mitochondrial disease.